The following is an entry in ClinVar:

NM_000059.4(BRCA2):c.4186C>T (p.Gln1396Ter)

Gene: BRCA2 (BRCA2 DNA repair associated; plus strand). Cytogenetic location: 13q13.1.
Variant type: single nucleotide variant.
Coding change: c.4186C>T on transcript NM_000059.4 (MANE Select); coding-DNA position 4186, C replaced by T.
Protein change: p.Gln1396Ter; replaces glutamine 1396 with a stop codon.
Molecular consequence: nonsense.
Genome position (GRCh38, 1-based): chr13:32,338,541, C>T. VCF-style: chr13-32338541-C-T. GRCh37 (hg19) VCF-style: chr13-32912678-C-T.
Other names: c.4186C>T, p.Gln1396Ter (NM_001406719.1, NM_001406720.1); short protein forms Q1396*.
Identifiers: ClinVar variation 2087225 (VCV002087225.4), dbSNP rs776286311, ClinGen allele CA387780145.
Genomic context (GRCh38, chr13:32,338,541, plus strand): 5'-GGAAACACTCAGATTAAAGAAGATTTGTCAGATTTAACTTTTTTGGAAGTTGCGAAAGCT[C>T]AAGAAGCATGTCATGGTAATACTTCAAATAAAGAACAGTTAACTGCTACTAAAACGGAGC-3'

ClinVar aggregate classification (germline): Pathogenic (1 of 4 stars; one submission).

Conditions:
Hereditary breast ovarian cancer syndrome. Also called: Hereditary breast and ovarian cancer syndrome; Breast and ovarian cancer; BRCA1- and BRCA2-Associated Hereditary Breast and Ovarian Cancer; Hereditary breast and ovarian cancer syndrome (HBOC); Hereditary breast and ovarian cancer; Hereditary breast and/or ovarian cancer syndrome. Identifiers: Orphanet 145, MedGen C0677776, MeSH D061325, MONDO:0003582. Disease mechanism: loss of function.

Submission:

Labcorp Genetics (formerly Invitae), Labcorp
Classification: Pathogenic for Hereditary breast ovarian cancer syndrome. Last evaluated: 2025-04-29. Review status: criteria provided, single submitter. Criteria: Invitae Variant Classification Sherloc (09022015). Collection method: clinical testing. Allele origin: germline.
Comment: This sequence change creates a premature translational stop signal (p.Gln1396*) in the BRCA2 gene. It is expected to result in an absent or disrupted protein product. Loss-of-function variants in BRCA2 are known to be pathogenic (PMID: 20104584). This variant is not present in population databases (gnomAD no frequency). This variant has not been reported in the literature in individuals affected with BRCA2-related conditions. ClinVar contains an entry for this variant (Variation ID: 2087225). For these reasons, this variant has been classified as Pathogenic.

Literature cited by the submitters: PubMed 20104584.